The following is an entry in ClinVar:

NM_005392.4(PHF2):c.1644C>T (p.Leu548=)

Gene: PHF2 (PHD finger protein 2; plus strand). Cytogenetic location: 9q22.31.
Variant type: single nucleotide variant.
Coding change: c.1644C>T on transcript NM_005392.4 (MANE Select); coding-DNA position 1644, C replaced by T.
Protein change: p.Leu548=; no amino-acid change (leucine 548 retained).
Molecular consequence: synonymous variant.
Genome position (GRCh38, 1-based): chr9:93,660,506, C>T. VCF-style: chr9-93660506-C-T. GRCh37 (hg19) VCF-style: chr9-96422788-C-T.
Identifiers: ClinVar variation 3041892 (VCV003041892.2), dbSNP rs73523907, ClinGen allele CA5132724.

ClinVar aggregate classification (germline): Benign (0 of 4 stars; one submission).

Conditions:
PHF2-related disorder. Also called: PHF2-related condition.

Allele frequency attached by ClinVar (database versions not stated): 1000 Genomes Project 30x 0.01234; 1000 Genomes Project 0.01298; TOPMed 0.01363; ESP Exome Variant Server 0.01546; gnomAD 0.01661; ExAC 0.02210.
gnomAD v4.1: 28,073 of 1,602,142 alleles (1.8%); highest among the groups gnomAD compares: Middle Eastern, 3.2%; 312 homozygotes.

Submission:

PreventionGenetics, part of Exact Sciences
Classification: Benign for PHF2-related condition. Last evaluated: 2019-06-28. Review status: no assertion criteria provided. Collection method: clinical testing. Allele origin: germline.
Comment: This variant is classified as benign based on ACMG/AMP sequence variant interpretation guidelines (Richards et al. 2015 PMID: 25741868, with internal and published modifications).